The following is an entry in ClinVar:

ClinVar aggregate classification (germline): Uncertain significance (1 of 4 stars; one submission).

Conditions:
Bloom syndrome (BLM). Also called: Bloom-Torre-Machacek syndrome. Identifiers: Orphanet 125, MedGen C0005859, MONDO:0008876, OMIM 210900.

gnomAD v4.1: 2 of 1,614,196 alleles (0.00012%); highest among the groups gnomAD compares: Admixed American, 0.0033%; no homozygotes.

Submission:

Labcorp Genetics (formerly Invitae), Labcorp
Classification: Uncertain significance for Bloom syndrome. Last evaluated: 2024-12-26. Review status: criteria provided, single submitter. Criteria: Invitae Variant Classification Sherloc (09022015). Collection method: clinical testing. Allele origin: germline.
Comment: This sequence change replaces isoleucine, which is neutral and non-polar, with threonine, which is neutral and polar, at codon 1398 of the BLM protein (p.Ile1398Thr). This variant is not present in population databases (gnomAD no frequency). This variant has not been reported in the literature in individuals affected with BLM-related conditions. ClinVar contains an entry for this variant (Variation ID: 1505672). An algorithm developed to predict the effect of missense changes on protein structure and function (PolyPhen-2) suggests that this variant is likely to be disruptive. In summary, the available evidence is currently insufficient to determine the role of this variant in disease. Therefore, it has been classified as a Variant of Uncertain Significance.

NM_000057.4(BLM):c.4193T>C (p.Ile1398Thr)

Gene: BLM (BLM RecQ like helicase; plus strand). Cytogenetic location: 15q26.1.
Variant type: single nucleotide variant.
Coding change: c.4193T>C on transcript NM_000057.4 (MANE Select); coding-DNA position 4193, T replaced by C.
Protein change: p.Ile1398Thr; replaces isoleucine 1398 with threonine.
Molecular consequence: missense variant.
Genome position (GRCh38, 1-based): chr15:90,815,218, T>C. VCF-style: chr15-90815218-T-C. GRCh37 (hg19) VCF-style: chr15-91358448-T-C.
Other names: c.4193T>C, p.Ile1398Thr (NM_001287246.2); c.3800T>C, p.Ile1267Thr (NM_001287247.2); c.3068T>C, p.Ile1023Thr (NM_001287248.2); short protein forms I1267T, I1398T, I1023T.
Identifiers: ClinVar variation 1505672 (VCV001505672.5), dbSNP rs2151202391, ClinGen allele CA393852596.